The following is an entry in ClinVar:

NM_001386993.1(CTCFL):c.714T>C (p.Ala238=)

Gene: CTCFL (CCCTC-binding factor like; minus strand). Cytogenetic location: 20q13.31.
Variant type: single nucleotide variant.
Coding change: c.714T>C on transcript NM_001386993.1 (MANE Select); coding-DNA position 714, T replaced by C.
Protein change: p.Ala238=; no amino-acid change (alanine 238 retained).
Molecular consequence: synonymous variant. On other transcripts: non-coding transcript variant (2), intron variant (2).
Genome position (GRCh38, 1-based): chr20:57,523,108, A>G on the plus strand (T>C on the coding strand, the complement: CTCFL is on the minus strand). VCF-style: chr20-57523108-A-G. GRCh37 (hg19) VCF-style: chr20-56098164-A-G.
Other names: c.714T>C, p.Ala238= (NM_001269040.2, NM_001269041.2, NM_001269042.2 and 13 more transcripts); c.99T>C, p.Ala33= (NM_001269049.2, NM_001269050.3); c.-33+1920T>C (NM_001269054.2, NM_001269055.3).
Identifiers: ClinVar variation 2652426 (VCV002652426.24), dbSNP rs750244176, ClinGen allele CA9921659.
Genomic context (GRCh38, chr20:57,523,108, plus strand): 5'-TATGAGATGAACTGGCCTACCCTTTGTCTTTCTTTGATTTTTTGTAGATTTGGCCTTTTC[A>G]GCATCTGCTTGACCAGCTGTAGGTTGATCCTCTTGTTCTTCCACATTTGAATTTGAAACT-3'
Protein context (NP_001373922.1, residues 228-248): EDQPTAGQAD[Ala238=]EKAKSTKNQR

ClinVar aggregate classification (germline): Likely benign (1 of 4 stars; one submission).

Allele frequency attached by ClinVar (database versions not stated): gnomAD exomes 0.00001; ExAC 0.00002; gnomAD 0.00002; TOPMed 0.00002.
gnomAD v4.1: 15 of 1,613,770 alleles (0.00093%); highest among the groups gnomAD compares: African/African-American, 0.0013%; no homozygotes.

Submission:

CeGaT Center for Human Genetics Tuebingen
Classification: Likely benign. Last evaluated: 2022-11-01. Review status: criteria provided, single submitter. Criteria: CeGaT Center For Human Genetics Tuebingen Variant Classification Criteria Version 2. Collection method: clinical testing. Allele origin: germline. Affected: yes. Observed: 1 variant allele.
Comment: CTCFL: BP4, BP7